The following is an entry in ClinVar:

NM_004046.6(ATP5F1A):c.1019A>T (p.Asp340Val)

Gene: ATP5F1A (ATP synthase F1 subunit alpha; minus strand). Cytogenetic location: 18q21.1.
Variant type: single nucleotide variant.
Coding change: c.1019A>T on transcript NM_004046.6 (MANE Select); coding-DNA position 1019, A replaced by T.
Protein change: p.Asp340Val; replaces aspartic acid 340 with valine.
Molecular consequence: missense variant.
Genome position (GRCh38, 1-based): chr18:46,087,165, T>A on the plus strand (A>T on the coding strand, the complement: ATP5F1A is on the minus strand). VCF-style: chr18-46087165-T-A. GRCh37 (hg19) VCF-style: chr18-43667131-T-A.
Other names: c.869A>T, p.Asp290Val (NM_001001935.3, NM_001257335.2); c.1019A>T, p.Asp340Val (NM_001001937.2); c.953A>T, p.Asp318Val (NM_001257334.2); short protein forms D290V, D318V, D340V.
Identifiers: ClinVar variation 3774934 (VCV003774934.1).
Genomic context (GRCh38, chr18:46,087,165, plus strand): 5'-CCAAAAGCATCGTTCATTTTGGCTGCTCTCTCCAGCAACCGGGAGTGTAGGTAGAACACA[T>A]CACCAGGATAGGCCTCACGACCAGGGGGTCGGCGGAGCAACAGAGACATCTGACGGTAAG-3'
Protein context (NP_004037.1, residues 330-350): RPPGREAYPG[Asp340Val]VFYLHSRLLE

ClinVar aggregate classification (germline): Uncertain significance (1 of 4 stars; one submission).

Submission:

GeneDx
Classification: Uncertain significance. Last evaluated: 2024-09-25. Review status: criteria provided, single submitter. Criteria: GeneDx Variant Classification Process June 2021. Collection method: clinical testing. Allele origin: germline. Affected: yes.
Comment: Not observed at significant frequency in large population cohorts (gnomAD); In silico analysis supports that this missense variant has a deleterious effect on protein structure/function; Has not been previously published as pathogenic or benign to our knowledge